The following is an entry in ClinVar:

NM_000020.3(ACVRL1):c.643G>A (p.Glu215Lys)

Gene: ACVRL1 (activin A receptor like type 1; plus strand). Cytogenetic location: 12q13.13.
Variant type: single nucleotide variant.
Coding change: c.643G>A on transcript NM_000020.3 (MANE Select); coding-DNA position 643, G replaced by A.
Protein change: p.Glu215Lys; replaces glutamic acid 215 with lysine.
Molecular consequence: missense variant.
Genome position (GRCh38, 1-based): chr12:51,914,456, G>A. VCF-style: chr12-51914456-G-A. GRCh37 (hg19) VCF-style: chr12-52308240-G-A.
Other names: c.643G>A, p.Glu215Lys (NM_001077401.2); short protein forms E215K.
Identifiers: ClinVar variation 1366551 (VCV001366551.13), dbSNP rs754283265, ClinGen allele CA6572961.

ClinVar aggregate classification (germline): Conflicting classifications of pathogenicity. Review status: criteria provided, conflicting classifications (1 of 4 stars). 4 submissions from 4 submitters: Pathogenic (1); Likely pathogenic (1); Uncertain significance (2). Last evaluated 2025-08-20.

Conditions:
Cardiovascular phenotype. Identifiers: MedGen CN230736.
Telangiectasia, hereditary hemorrhagic, type 2 (HHT2). Also called: ACVRL1-Related Hereditary Hemorrhagic Telangiectasia; Telangiectasia, hereditary hemorrhagic, type II. Identifiers: Orphanet 774, MedGen C1838163, MONDO:0010880, OMIM 600376. Disease mechanism: loss of function.

Allele frequency attached by ClinVar (database versions not stated): gnomAD exomes below 0.00001 and 0.00001; TOPMed below 0.00001; ExAC 0.00001.

Submissions (4):

Labcorp Genetics (formerly Invitae), Labcorp
Classification: Pathogenic for Telangiectasia, hereditary hemorrhagic, type 2. Last evaluated: 2025-08-20. Review status: criteria provided, single submitter. Criteria: Invitae Variant Classification Sherloc (09022015). Collection method: clinical testing. Allele origin: germline.
Comment: This sequence change replaces glutamic acid, which is acidic and polar, with lysine, which is basic and polar, at codon 215 of the ACVRL1 protein (p.Glu215Lys). This variant is present in population databases (rs754283265, gnomAD 0.0009%). This missense change has been observed in individuals with ACVRL1-related conditions (PMID: 15024723, 34966542; internal data). ClinVar contains an entry for this variant (Variation ID: 1366551). Invitae Evidence Modeling of protein sequence and biophysical properties (such as structural, functional, and spatial information, amino acid conservation, physicochemical variation, residue mobility, and thermodynamic stability) has been performed for this missense variant. However, the output from this modeling did not meet the statistical confidence thresholds required to predict the impact of this variant on ACVRL1 protein function. For these reasons, this variant has been classified as Pathogenic.

Ambry Genetics
Classification: Likely pathogenic for Cardiovascular phenotype. Last evaluated: 2025-08-04. Review status: criteria provided, single submitter. Criteria: Ambry Variant Classification Scheme 2023. Collection method: clinical testing. Allele origin: germline.
Comment: The p.E215K variant (also known as c.643G>A), located in coding exon 5 of the ACVRL1 gene, results from a G to A substitution at nucleotide position 643. The glutamic acid at codon 215 is replaced by lysine, an amino acid with similar properties. This variant has been reported in multiple individuals with definite or possible diagnosis of hereditary hemorrhagic telangiectasia, and in an individual with pulmonary arterial hypertension (Lesca G et al. Hum. Mutat., 2004 Apr;23:289-99; T&oslash;rring PM et al. Clin. Genet., 2014 Aug;86:123-33; Zhang X et al. Pulm Circ. 2021 Oct;11(4):20458940211044577; Ambry internal data). This amino acid position is highly conserved in available vertebrate species. In addition, this alteration is predicted to be deleterious by in silico analysis. Based on the majority of available evidence to date, this variant is likely to be pathogenic.

Fulgent Genetics
Classification: Uncertain significance for Telangiectasia, hereditary hemorrhagic, type 2. Last evaluated: 2024-02-27. Review status: criteria provided, single submitter. Criteria: ACMG Guidelines, 2015. Collection method: clinical testing. Allele origin: germline.

GeneDx
Classification: Uncertain significance. Last evaluated: 2023-11-06. Review status: criteria provided, single submitter. Criteria: GeneDx Variant Classification Process June 2021. Collection method: clinical testing. Allele origin: germline. Affected: yes.
Comment: Not observed at significant frequency in large population cohorts (gnomAD); In silico analysis supports that this missense variant has a deleterious effect on protein structure/function; This variant is associated with the following publications: (PMID: 15024723, 34966542, 24001356)

Literature cited by the submitters: PubMed 15024723 (cited by Labcorp Genetics (formerly Invitae), Labcorp and Ambry Genetics); PubMed 34966542 (cited by Labcorp Genetics (formerly Invitae), Labcorp and Ambry Genetics); PubMed 15266205 (cited by Ambry Genetics); PubMed 15879500 (cited by Ambry Genetics); PubMed 16611099 (cited by Ambry Genetics); PubMed 24001356 (cited by Ambry Genetics).